The following is an entry in ClinVar:

NM_001364905.1(LRBA):c.2671T>C (p.Tyr891His)

Gene: LRBA (LPS responsive beige-like anchor protein; minus strand). Cytogenetic location: 4q31.3.
Variant type: single nucleotide variant.
Coding change: c.2671T>C on transcript NM_001364905.1 (MANE Select); coding-DNA position 2671, T replaced by C.
Protein change: p.Tyr891His; replaces tyrosine 891 with histidine.
Molecular consequence: missense variant.
Genome position (GRCh38, 1-based): chr4:150,867,766, A>G on the plus strand (T>C on the coding strand, the complement: LRBA is on the minus strand). VCF-style: chr4-150867766-A-G. GRCh37 (hg19) VCF-style: chr4-151788918-A-G.
Other names: c.2671T>C, p.Tyr891His (NM_001199282.3, NM_001367550.1, NM_006726.5); short protein forms Y891H.
Identifiers: ClinVar variation 1031075 (VCV001031075.6), dbSNP rs757344529, ClinGen allele CA3103172.

ClinVar aggregate classification (germline): Uncertain significance. Review status: criteria provided, multiple submitters, no conflicts (2 of 4 stars). 2 submissions from 2 submitters: Uncertain significance (2). Last evaluated 2021-08-28.

Conditions:
Combined immunodeficiency due to LRBA deficiency. Also called: Common variable immunodeficiency 8, with autoimmunity. Identifiers: Orphanet 445018, MedGen C3553512, MONDO:0013863, OMIM 614700.

Allele frequency attached by ClinVar (database versions not stated): gnomAD exomes below 0.00001 and 0.00001; ExAC 0.00001; TOPMed 0.00005; gnomAD 0.00007.
gnomAD v4.1: 18 of 1,613,670 alleles (0.0011%); highest among the groups gnomAD compares: African/African-American, 0.02%; no homozygotes.

Submissions (2):

Labcorp Genetics (formerly Invitae), Labcorp
Classification: Uncertain significance for Combined immunodeficiency due to LRBA deficiency. Last evaluated: 2021-08-28. Review status: criteria provided, single submitter. Criteria: Invitae Variant Classification Sherloc (09022015). Collection method: clinical testing. Allele origin: germline.
Comment: This sequence change replaces tyrosine with histidine at codon 891 of the LRBA protein (p.Tyr891His). The tyrosine residue is moderately conserved and there is a moderate physicochemical difference between tyrosine and histidine. This variant is present in population databases (rs757344529, ExAC 0.01%). This variant has not been reported in the literature in individuals affected with LRBA-related conditions. ClinVar contains an entry for this variant (Variation ID: 1031075). Algorithms developed to predict the effect of missense changes on protein structure and function are either unavailable or do not agree on the potential impact of this missense change (SIFT: "Deleterious"; PolyPhen-2: "Probably Damaging"; Align-GVGD: "Class C0"). In summary, the available evidence is currently insufficient to determine the role of this variant in disease. Therefore, it has been classified as a Variant of Uncertain Significance.

Baylor Genetics
Classification: Uncertain significance for Combined immunodeficiency due to LRBA deficiency. Last evaluated: 2019-07-02. Review status: criteria provided, single submitter. Criteria: ACMG Guidelines, 2015. Collection method: clinical testing. Allele origin: unknown. Affected: yes.
Comment: This variant was determined to be of uncertain significance according to ACMG Guidelines, 2015 [PMID:25741868].